The following is an entry in ClinVar:

NM_001375834.1(WIPF1):c.1435C>G (p.Leu479Val)

Gene: WIPF1 (WAS/WASL interacting protein family member 1; minus strand). Cytogenetic location: 2q31.1.
Variant type: single nucleotide variant.
Coding change: c.1435C>G on transcript NM_001375834.1 (MANE Select); coding-DNA position 1435, C replaced by G.
Protein change: p.Leu479Val; replaces leucine 479 with valine.
Molecular consequence: missense variant.
Genome position (GRCh38, 1-based): chr2:174,567,091, G>C on the plus strand (C>G on the coding strand, the complement: WIPF1 is on the minus strand). VCF-style: chr2-174567091-G-C. GRCh37 (hg19) VCF-style: chr2-175431819-G-C.
Other names: c.1435C>G, p.Leu479Val (NM_001077269.1, NM_001375832.1, NM_001375833.1 and 2 more transcripts); c.1057C>G, p.Leu353Val (NM_001375839.1); short protein forms L353V, L479V.
Identifiers: ClinVar variation 2194915 (VCV002194915.4), dbSNP rs1274242254, ClinGen allele CA349335669.

ClinVar aggregate classification (germline): Uncertain significance (1 of 4 stars; one submission).

Conditions:
Wiskott-Aldrich syndrome 2 (WAS2). Also called: WIPF1 DEFICIENCY. Identifiers: Orphanet 906, MedGen C3281001, MONDO:0013779, OMIM 614493.

Allele frequency attached by ClinVar (database versions not stated): gnomAD exomes below 0.00001; TOPMed 0.00001.
gnomAD v4.1: 1 of 1,614,216 alleles (0.000062%); highest among the groups gnomAD compares: Non-Finnish European, 0.000085%; no homozygotes.

Submission:

Labcorp Genetics (formerly Invitae), Labcorp
Classification: Uncertain significance for Wiskott-Aldrich syndrome 2. Last evaluated: 2022-03-26. Review status: criteria provided, single submitter. Criteria: Invitae Variant Classification Sherloc (09022015). Collection method: clinical testing. Allele origin: germline.
Comment: In summary, the available evidence is currently insufficient to determine the role of this variant in disease. Therefore, it has been classified as a Variant of Uncertain Significance. Algorithms developed to predict the effect of missense changes on protein structure and function output the following: SIFT: "Not Available"; PolyPhen-2: "Benign"; Align-GVGD: "Not Available". The valine amino acid residue is found in multiple mammalian species, which suggests that this missense change does not adversely affect protein function. This variant has not been reported in the literature in individuals affected with WIPF1-related conditions. This variant is not present in population databases (gnomAD no frequency). This sequence change replaces leucine, which is neutral and non-polar, with valine, which is neutral and non-polar, at codon 479 of the WIPF1 protein (p.Leu479Val).